The following is an entry in ClinVar:

ClinVar aggregate classification (germline): Pathogenic/Likely pathogenic. Review status: criteria provided, single submitter (1 of 4 stars). 2 submissions from 1 submitter: Pathogenic (1); Likely pathogenic (1). Last evaluated 2025-06-06.

Conditions:
Fanconi anemia complementation group J. Also called: BRIP1-Related Fanconi Anemia. Identifiers: Orphanet 84, MedGen C1836860, MONDO:0012187, OMIM 609054.
Malignant tumor of breast. Also called: Malignant breast neoplasm; Cancer breast. Identifiers: MedGen C0006142, MONDO:0007254. Disease mechanism: loss of function.

Submissions (2):

Women's Health and Genetics/Laboratory Corporation of America, LabCorp
Classification: Pathogenic for Fanconi anemia complementation group J. Last evaluated: 2025-06-06. Review status: criteria provided, single submitter. Criteria: LabCorp Variant Classification Summary - May 2015. Collection method: clinical testing. Allele origin: germline.
Comment: Variant summary: BRIP1 c.2487delT (p.Gly830ValfsX15) results in a premature termination codon, predicted to cause absence of the protein due to nonsense mediated decay, which is a commonly known mechanism for disease. The variant was absent in 249130 control chromosomes (gnomAD). To our knowledge, no occurrence of c.2487delT in individuals affected with Fanconi Anemia Complementation Group J and no experimental evidence demonstrating its impact on protein function have been reported. ClinVar contains an entry for this variant (Variation ID: 1723381). Based on the evidence outlined above, the variant was classified as pathogenic.

Women's Health and Genetics/Laboratory Corporation of America, LabCorp
Classification: Likely pathogenic for Malignant tumor of breast. Last evaluated: 2022-10-24. Review status: criteria provided, single submitter. Criteria: LabCorp Variant Classification Summary - May 2015. Collection method: clinical testing. Allele origin: germline.
Comment: Variant summary: BRIP1 c.2487delT (p.Gly830ValfsX15) results in a premature termination codon, predicted to cause a truncation of the encoded protein or absence of the protein due to nonsense mediated decay, which are commonly known mechanisms for disease. Truncations downstream of this position have been classified as pathogenic by our laboratory. The variant was absent in 249130 control chromosomes (gnomAD). To our knowledge, no occurrence of c.2487delT in individuals affected with Breast Cancer and no experimental evidence demonstrating its impact on protein function have been reported. No clinical diagnostic laboratories have submitted clinical-significance assessments for this variant to ClinVar after 2014. Based on the evidence outlined above, the variant was classified as likely pathogenic.

NM_032043.3(BRIP1):c.2487del (p.Gly830fs)

Gene: BRIP1 (BRCA1 interacting DNA helicase 1; minus strand). Cytogenetic location: 17q23.2.
Variant type: Deletion.
Coding change: c.2487del on transcript NM_032043.3 (MANE Select); coding-DNA position 2487, one base deleted (T; older notation c.2487delT).
Protein change: p.Gly830fs; shifts the reading frame from glycine 830.
Molecular consequence: frameshift variant.
Genome position (GRCh38, 1-based): chr17:61,715,956, A deleted on the plus strand (T on the coding strand, the reverse complement: BRIP1 is on the minus strand); the first of 2 consecutive A bases (chr17:61,715,956-61,715,957); deleting either gives the same sequence. VCF-style (leftmost placement, unchanged base first): chr17-61715955-CA-C. GRCh37 (hg19) VCF-style: chr17-59793316-CA-C.
Other names: c.2487delT (NM_032043.2, NM_032043.3); short protein forms G830fs.
Identifiers: ClinVar variation 1723381 (VCV001723381.2), dbSNP rs2544695974, ClinGen allele CA2580094461.
Genomic context (GRCh38, chr17:61,715,955, plus strand): 5'-ATTTATATATATAGCCCTGTCACAGATAATATTATATTAAATTTCACTCCACTTACCTAC[CA>C]AGGGCCTGGTTTAAGGCCCTGTATGCTTGAATTTCATACCACTGACGGCCAGGTAGAAGA-3'